The following is an entry in ClinVar:

ClinVar aggregate classification (germline): Uncertain significance (1 of 4 stars; one submission).

Submission:

ISCA Site 6
Classification: Uncertain significance. Last evaluated: 2011-08-12. Review status: criteria provided, single submitter. Criteria: Kaminsky et al. (Genet Med. 2011). Collection method: clinical testing. Allele origin: unknown. Affected: yes. Observed: 1 variant allele.
Comment: Copy number variation identified through the course of routine clinical cytogenomic testing in postnatal populations. Clinical assertions have been curated as described in Kaminsky et al. 2011.

GRCh38/hg38 22q11.23(chr22:23354221-24541945)x3

Genes: ADORA2A (adenosine A2a receptor; plus strand), ADORA2A-AS1 (ADORA2A antisense RNA 1; minus strand), C22orf15 (chromosome 22 open reading frame 15; plus strand), CABIN1 (calcineurin binding protein 1; plus strand), CHCHD10 (coiled-coil-helix-coiled-coil-helix domain containing 10; minus strand) and 67 more. Cytogenetic location: 22q11.23.
Variant type: copy number gain.
Change: copy number 3 (three copies instead of two) of chr22:23,354,221-24,541,945 (1.19 Mb, GRCh38 coordinates, 1-based), cytogenetic band 22q11.23.
Identifiers: ClinVar variation 59342 (VCV000059342.2).